The following is an entry in ClinVar:

NM_000275.3(OCA2):c.878A>G (p.Glu293Gly)

Gene: OCA2 (OCA2 melanosomal transmembrane protein; minus strand). Cytogenetic location: 15q13.1.
Variant type: single nucleotide variant.
Coding change: c.878A>G on transcript NM_000275.3 (MANE Select); coding-DNA position 878, A replaced by G.
Protein change: p.Glu293Gly; replaces glutamic acid 293 with glycine.
Molecular consequence: missense variant.
Genome position (GRCh38, 1-based): chr15:28,016,116, T>C on the plus strand (A>G on the coding strand, the complement: OCA2 is on the minus strand). VCF-style: chr15-28016116-T-C. GRCh37 (hg19) VCF-style: chr15-28261262-T-C.
Other names: c.878A>G, p.Glu293Gly (NM_001300984.2); short protein forms E293G.
Identifiers: ClinVar variation 3250718 (VCV003250718.18), dbSNP rs780995523.
Genomic context (GRCh38, chr15:28,016,116, plus strand): 5'-ACGTGTCCCAGAGAGCCTGCCCCAACACCTCACTCACTGAGAACTCACCTGGTCAGTACC[T>C]CAAAGGTCCTGCTCATCACTGAGTGCTCGCTTCTCCTCGGATTTAAATACACCGTCCAGT-3'
Protein context (NP_000266.2, residues 283-303): SEHSVMSRTF[Glu293Gly]VLTRETVSIS

ClinVar aggregate classification (germline): Uncertain significance (1 of 4 stars; one submission).

Allele frequency attached by ClinVar (database versions not stated): ExAC 0.00001; gnomAD exomes 0.00001.
gnomAD v4.1: 7 of 1,614,060 alleles (0.00043%); highest among the groups gnomAD compares: Non-Finnish European, 0.00059%; no homozygotes.

Submission:

CeGaT Center for Human Genetics Tuebingen
Classification: Uncertain significance. Last evaluated: 2024-06-01. Review status: criteria provided, single submitter. Criteria: CeGaT Center For Human Genetics Tuebingen Variant Classification Criteria Version 2. Collection method: clinical testing. Allele origin: germline. Affected: yes. Observed: 1 variant allele.
Comment: OCA2: PM2, PM5